The following is an entry in ClinVar:

ClinVar aggregate classification (germline): Uncertain significance (1 of 4 stars; one submission).

Conditions:
Hereditary cancer-predisposing syndrome. Also called: Neoplastic Syndromes, Hereditary; Tumor predisposition; Hereditary neoplastic syndrome; Hereditary Cancer Syndrome. Identifiers: Orphanet 140162, MedGen C0027672, MeSH D009386, MONDO:0015356.

gnomAD v4.1: 6 of 1,609,706 alleles (0.00037%); highest among the groups gnomAD compares: Non-Finnish European, 0.00043%; no homozygotes.

Submission:

Ambry Genetics
Classification: Uncertain significance for Hereditary cancer-predisposing syndrome. Last evaluated: 2026-07-06. Review status: criteria provided, single submitter. Criteria: Ambry Variant Classification Scheme 2023. Collection method: clinical testing. Allele origin: germline.
Comment: The p.S101R variant (also known as c.303C>A), located in coding exon 5 of the MAX gene, results from a C to A substitution at nucleotide position 303. The serine at codon 101 is replaced by arginine, an amino acid with dissimilar properties. This amino acid position is conserved. In addition, the in silico prediction for this alteration is inconclusive. Based on the available evidence, the clinical significance of this variant remains unclear.

NM_002382.5(MAX):c.295+492C>A

Gene: MAX (MYC associated transcriptional regulator X; minus strand). Cytogenetic location: 14q23.3.
Variant type: single nucleotide variant.
Coding change: c.295+492C>A on transcript NM_002382.5 (MANE Select); 492 bases into the intron after coding-DNA position 295, C replaced by A.
Molecular consequence: intron variant. On other transcripts: missense variant (18), non-coding transcript variant (4).
Genome position (GRCh38, 1-based): chr14:65,077,421, G>T on the plus strand (C>A on the coding strand, the complement: MAX is on the minus strand). VCF-style: chr14-65077421-G-T. GRCh37 (hg19) VCF-style: chr14-65544139-G-T.
Other names: c.29C>A, p.Ala10Glu (NM_001320415.2, NM_001407105.1, NM_001407106.1 and 1 more transcripts); c.384C>A, p.Ser128Arg (NM_001407096.1, NM_001407097.1); c.357C>A, p.Ser119Arg (NM_001407099.1, NM_001407100.1, NM_001407101.1 and 1 more transcripts); c.303C>A, p.Ser101Arg (NM_001407103.1, NM_001407104.1, NM_145113.3); c.276C>A, p.Ser92Arg (NM_001407108.1, NM_001407109.1, NM_001407110.1); c.17C>A, p.Ala6Glu (NM_001407111.1, NM_001407112.1); c.144+16287C>A (NM_001271069.2); c.171+16287C>A (NM_197957.4); and 3 more; short protein forms S128R, A10E, S92R, A6E, S101R, S119R.
Identifiers: ClinVar variation 5023944 (VCV005023944.1).